The following is an entry in ClinVar:

NM_000038.6(APC):c.7526_7541del (p.Pro2509fs)

Gene: APC (APC regulator of Wnt signaling pathway; plus strand). Cytogenetic location: 5q22.2.
Variant type: Deletion.
Coding change: c.7526_7541del on transcript NM_000038.6 (MANE Select); coding-DNA positions 7526 to 7541, 16 bases deleted (CTAATCTCAGTCCCAC).
Protein change: p.Pro2509fs; shifts the reading frame from proline 2509.
Molecular consequence: frameshift variant. On other transcripts: non-coding transcript variant (2).
Genome position (GRCh38, 1-based): chr5:112,843,120-112,843,135, CTAATCTCAGTCCCAC deleted; deleting any 16 consecutive bases within chr5:112,843,114-112,843,135 gives the same sequence; the c. name uses the placement nearest the transcript's 3' end. VCF-style (leftmost placement, unchanged base first): chr5-112843113-CTCCCACCTAATCTCAG-C. GRCh37 (hg19) VCF-style: chr5-112178810-CTCCCACCTAATCTCAG-C.
Other names: c.7526_7541del, p.Pro2509fs (NM_001354895.2, NM_001407450.1, NM_001127510.3); c.7580_7595del, p.Pro2527fs (NM_001354896.2, NM_001407447.1, NM_001407448.1 and 1 more transcripts); c.7556_7571del, p.Pro2519fs (NM_001354897.2); c.7451_7466del, p.Pro2484fs (NM_001354898.2); c.7442_7457del, p.Pro2481fs (NM_001354899.2); c.7403_7418del, p.Pro2468fs (NM_001354900.2); c.7349_7364del, p.Pro2450fs (NM_001354901.2, NM_001407453.1); c.7253_7268del, p.Pro2418fs (NM_001354902.2); and 11 more; short protein forms P2125fs, P2380fs, P2502fs, P2519fs, P2527fs, P2226fs, P2383fs, P2484fs.
Identifiers: ClinVar variation 4735888 (VCV004735888.1).

ClinVar aggregate classification (germline): Pathogenic (1 of 4 stars; one submission).

Conditions:
Familial adenomatous polyposis 1 (FAP1). Also called: FAMILIAL ADENOMATOUS POLYPOSIS 1, ATTENUATED; POLYPOSIS, ADENOMATOUS INTESTINAL. Identifiers: MedGen C2713442, MONDO:0021056, OMIM 175100. Disease mechanism: loss of function.

Submission:

Labcorp Genetics (formerly Invitae), Labcorp
Classification: Pathogenic for Familial adenomatous polyposis 1. Last evaluated: 2026-01-21. Review status: criteria provided, single submitter. Criteria: Invitae Variant Classification Sherloc (09022015). Collection method: clinical testing. Allele origin: germline.
Comment: This sequence change creates a premature translational stop signal (p.Pro2509Leufs*2) in the APC gene. While this is not anticipated to result in nonsense mediated decay, it is expected to disrupt the last 335 amino acid(s) of the APC protein. This variant is not present in population databases (gnomAD no frequency). This variant has not been reported in the literature in individuals affected with APC-related conditions. This variant is expected to disrupt the EB1 and HDLG binding sites, which mediate interactions with the cytoskeleton (PMID: 15311282, 17293347). While functional studies have not been performed to directly test the effect on APC protein function, this suggests that disruption of the C-terminal portion of the protein is functionally important. A different truncation (p.Tyr2645Lysfs*14) that lies downstream of this variant has been determined to be pathogenic (PMID: 9824584, 1316610, 27081525, 8381579, 22135120, internal data). This suggests that deletion of this region of the APC protein is causative of disease. For these reasons, this variant has been classified as Pathogenic.

Literature cited by the submitters: PubMed 15311282; PubMed 17293347; PubMed 9824584; PubMed 1316610; PubMed 27081525; PubMed 8381579; PubMed 22135120.